The following is an entry in ClinVar:

ClinVar aggregate classification (germline): Likely pathogenic (1 of 4 stars; one submission).

Conditions:
Dilated cardiomyopathy 1G (CMD1G). Identifiers: Orphanet 154, MedGen C1858763, MONDO:0011400, OMIM 604145.
Autosomal recessive limb-girdle muscular dystrophy type 2J (LGMDR10). Also called: Limb-girdle muscular dystrophy, type 2J; MUSCULAR DYSTROPHY, LIMB-GIRDLE, AUTOSOMAL RECESSIVE 10. Identifiers: Orphanet 140922, MedGen C1837342, MONDO:0012127, OMIM 608807.

Submission:

Labcorp Genetics (formerly Invitae), Labcorp
Classification: Likely pathogenic for Dilated cardiomyopathy 1G; Autosomal recessive limb-girdle muscular dystrophy type 2J. Last evaluated: 2024-03-02. Review status: criteria provided, single submitter. Criteria: Invitae Variant Classification Sherloc (09022015). Collection method: clinical testing. Allele origin: germline.
Comment: This sequence change affects a donor splice site in intron 203 of the TTN gene. It is expected to disrupt RNA splicing and likely results in a truncated or disrupted TTN protein. This variant is not present in population databases (gnomAD no frequency). This variant has not been reported in the literature in individuals affected with TTN-related conditions. Algorithms developed to predict the effect of sequence changes on RNA splicing suggest that this variant may disrupt the consensus splice site. This variant is located in the I band of TTN (PMID: 25589632). Truncating variants in this region have been reported in individuals affected with autosomal recessive centronuclear myopathy (PMID: 23975875, Invitae internal data). Truncating variants in this region have also been identified in individuals affected with autosomal dominant dilated cardiomyopathy and/or cardio-related conditions (PMID: 27869827, 32964742, Invitae internal data). In summary, the currently available evidence indicates that the variant is pathogenic, but additional data are needed to prove that conclusively. Therefore, this variant has been classified as Likely Pathogenic.

Literature cited by the submitters: PubMed 25589632; PubMed 23975875; PubMed 27869827; PubMed 32964742.

NM_001267550.2(TTN):c.39211+1G>A

Gene: TTN (titin; minus strand). Cytogenetic location: 2q31.2.
Variant type: single nucleotide variant.
Coding change: c.39211+1G>A on transcript NM_001267550.2 (MANE Select); the canonical splice donor site of the intron after coding-DNA position 39211, G replaced by A.
Molecular consequence: splice donor variant. On other transcripts: intron variant (3).
Genome position (GRCh38, 1-based): chr2:178,652,263, C>T on the plus strand (G>A on the coding strand, the complement: TTN is on the minus strand). VCF-style: chr2-178652263-C-T. GRCh37 (hg19) VCF-style: chr2-179516990-C-T.
Other names: c.13283-9946G>A (NM_003319.4); c.13859-9946G>A (NM_133437.4); c.13658-9946G>A (NM_133432.3); c.31909+1G>A (NM_133378.4); c.34690+1G>A (NM_001256850.1).
Identifiers: ClinVar variation 3755065 (VCV003755065.2).
Genomic context (GRCh38, chr2:178,652,263, plus strand): 5'-ATTGTTAGACAAAGTAAAGACAAACAAACAATATCAAACACAGCACCATGAGGGTGTCTA[C>T]CTTTTGTGGGTGGCACTTCAGGCTTTTTAGGAGGAGGCACTGGCACTTTCTTTTCAGGAA-3'